The following is an entry in ClinVar:

ClinVar aggregate classification (germline): Conflicting classifications of pathogenicity. Review status: criteria provided, conflicting classifications (1 of 4 stars). 2 submissions from 2 submitters: Uncertain significance (1); Likely benign (1). Last evaluated 2023-10-13.

Conditions:
Myofibrillar myopathy 4. Also called: Zaspopathy (type). Identifiers: Orphanet 98912, MedGen C4721886, MONDO:0012277, OMIM 609452.

Allele frequency attached by ClinVar (database versions not stated): TOPMed below 0.00001; gnomAD 0.00001.
gnomAD v4.1: 1 of 1,612,196 alleles (0.000062%); highest among the groups gnomAD compares: Non-Finnish European, 0.000085%; no homozygotes.

Submissions (2):

Blueprint Genetics
Classification: Likely benign. Last evaluated: 2023-10-13. Review status: criteria provided, single submitter. Criteria: ACMG Guidelines, 2015. Collection method: clinical testing. Allele origin: germline.

Labcorp Genetics (formerly Invitae), Labcorp
Classification: Uncertain significance for Myofibrillar myopathy 4. Last evaluated: 2023-05-26. Review status: criteria provided, single submitter. Criteria: Invitae Variant Classification Sherloc (09022015). Collection method: clinical testing. Allele origin: germline.
Comment: Experimental studies and prediction algorithms are not available or were not evaluated, and the functional significance of this variant is currently unknown. In summary, the available evidence is currently insufficient to determine the role of this variant in disease. Therefore, it has been classified as a Variant of Uncertain Significance. Experimental studies and prediction algorithms are not available or were not evaluated, and the effect of this variant on mRNA splicing is currently unknown. This variant has not been reported in the literature in individuals affected with LDB3-related conditions. This variant is not present in population databases (gnomAD no frequency). This sequence change affects codon 299 of the LDB3 mRNA. It is a 'silent' change, meaning that it does not change the encoded amino acid sequence of the LDB3 protein. It affects a nucleotide within the consensus splice site. The LDB3 gene has multiple clinically relevant transcripts. This variant occurs in alternate transcript NM_007078.3, and corresponds to NM_001080116.1:c.*7157C>T in the primary transcript.

NM_007078.3(LDB3):c.897C>T (p.Ser299=)

Gene: LDB3 (LIM domain binding 3; plus strand). Cytogenetic location: 10q23.2.
Variant type: single nucleotide variant.
Coding change: c.897C>T on transcript NM_007078.3 (MANE Select); coding-DNA position 897, C replaced by T.
Protein change: p.Ser299=; no amino-acid change (serine 299 retained).
Molecular consequence: synonymous variant. On other transcripts: intron variant (4).
Genome position (GRCh38, 1-based): chr10:86,706,531, C>T. VCF-style: chr10-86706531-C-T. GRCh37 (hg19) VCF-style: chr10-88466288-C-T.
Other names: c.756C>T, p.Ser252= (NM_001368066.1); c.897-3374C>T (NM_001368064.1, NM_001368065.1); c.1101-3374C>T (NM_001171610.2); c.756-3374C>T (NM_001080114.2).
Identifiers: ClinVar variation 2780455 (VCV002780455.4), dbSNP rs1393704521, ClinGen allele CA669467224.